The following is an entry in ClinVar:

NM_173602.3(DIP2B):c.2980A>C (p.Ile994Leu)

Gene: DIP2B (DIP2 acetate--CoA ligase B (putative); plus strand). Cytogenetic location: 12q13.12.
Variant type: single nucleotide variant.
Coding change: c.2980A>C on transcript NM_173602.3 (MANE Select); coding-DNA position 2980, A replaced by C.
Protein change: p.Ile994Leu; replaces isoleucine 994 with leucine.
Molecular consequence: missense variant.
Genome position (GRCh38, 1-based): chr12:50,718,973, A>C. VCF-style: chr12-50718973-A-C. GRCh37 (hg19) VCF-style: chr12-51112756-A-C.
Other names: c.2980A>C (NM_173602.2); short protein forms I994L.
Identifiers: ClinVar variation 3385128 (VCV003385128.2).

ClinVar aggregate classification (germline): Uncertain significance. Review status: criteria provided, multiple submitters, no conflicts (2 of 4 stars). 2 submissions from 2 submitters: Uncertain significance (2). Last evaluated 2025-10-17.

gnomAD v4.1: 25 of 1,614,054 alleles (0.0015%); highest among the groups gnomAD compares: Non-Finnish European, 0.0021%; no homozygotes.

Submissions (2):

Ambry Genetics
Classification: Uncertain significance. Last evaluated: 2025-10-17. Review status: criteria provided, single submitter. Criteria: Ambry Variant Classification Scheme 2023. Collection method: clinical testing. Allele origin: germline.

Women's Health and Genetics/Laboratory Corporation of America, LabCorp
Classification: Uncertain significance. Last evaluated: 2024-10-23. Review status: criteria provided, single submitter. Criteria: LabCorp Variant Classification Summary - May 2015. Collection method: clinical testing. Allele origin: germline.
Comment: Variant summary: DIP2B c.2980A>C (p.Ile994Leu) results in a conservative amino acid change in the encoded protein sequence. Four of five in-silico tools predict a benign effect of the variant on protein function. The variant allele was found at a frequency of 8e-06 in 251356 control chromosomes. The available data on variant occurrences in the general population are insufficient to allow any conclusion about variant significance. To our knowledge, no occurrence of c.2980A>C in individuals affected with Intellectual Disability, FRA12A Type and no experimental evidence demonstrating its impact on protein function have been reported. No submitters have cited clinical-significance assessments for this variant to ClinVar. Based on the evidence outlined above, the variant was classified as uncertain significance.